The following is an entry in ClinVar:

ClinVar aggregate classification (germline): Benign (1 of 4 stars; one submission).

Conditions:
Short stature-pituitary and cerebellar defects-small sella turcica syndrome (CPHD4). Also called: Pituitary hormone deficiency, combined with or without cerebellar defects; Short stature, pituitary and cerebellar defects and small sella turcica. Identifiers: Orphanet 85442, MedGen C2678408, MONDO:0009880, OMIM 262700.

Allele frequency attached by ClinVar (database versions not stated): 1000 Genomes Project 30x 0.00078; 1000 Genomes Project 0.00080; TOPMed 0.00127; gnomAD 0.00133 and 0.00142; gnomAD exomes 0.00184.
gnomAD v4.1: 2,169 of 1,221,792 alleles (0.18%); highest among the groups gnomAD compares: Non-Finnish European, 0.22%; 4 homozygotes.

Submission:

Illumina Laboratory Services, Illumina
Classification: Benign for Short stature-pituitary and cerebellar defects-small sella turcica syndrome. Last evaluated: 2018-01-12. Review status: criteria provided, single submitter. Criteria: ICSL Variant Classification Criteria 13 December 2019. Collection method: clinical testing. Allele origin: germline.
Comment: This variant was observed in the ICSL laboratory as part of a predisposition screen in an ostensibly healthy population. It had not been previously curated by ICSL or reported in the Human Gene Mutation Database (HGMD: prior to June 1st, 2018), and was therefore a candidate for classification through an automated scoring system. Utilizing variant allele frequency, disease prevalence and penetrance estimates, and inheritance mode, an automated score was calculated to assess if this variant is too frequent to cause the disease. Based on the score and internal cut-off values, a variant classified as benign is not then subjected to further curation. The score for this variant resulted in a classification of benign for this disease.

NM_033343.4(LHX4):c.*119T>C

Genes: ACBD6 (acyl-CoA binding domain containing 6; minus strand), LHX4 (LIM homeobox 4; plus strand). Cytogenetic location: 1q25.2.
Variant type: single nucleotide variant.
Coding change: c.*119T>C on transcript NM_033343.4 (MANE Select); 119 bases downstream of the stop codon, T replaced by C.
Molecular consequence: 3 prime UTR variant.
Genome position (GRCh38, 1-based): chr1:180,274,698, T>C. VCF-style: chr1-180274698-T-C. GRCh37 (hg19) VCF-style: chr1-180243833-T-C.
Identifiers: ClinVar variation 293877 (VCV000293877.5), dbSNP rs180725260, ClinGen allele CA10608839.